The following is an entry in ClinVar:

ClinVar aggregate classification (germline): Benign/Likely benign. Review status: criteria provided, multiple submitters, no conflicts (2 of 4 stars). 5 submissions from 5 submitters: Benign (2); Likely benign (2). 1 of the submissions does not count toward it. Last evaluated 2026-05-01.

Conditions:
PLXNA1-related disorder. Also called: PLXNA1-related condition.

Allele frequency attached by ClinVar (database versions not stated): gnomAD exomes 0.00105 and 0.00165; ExAC 0.00185; 1000 Genomes Project 0.00379; gnomAD 0.00380 and 0.00403; ESP Exome Variant Server 0.00423; 1000 Genomes Project 30x 0.00453; TOPMed 0.00488.
gnomAD v4.1: 2,171 of 1,613,104 alleles (0.13%); highest among the groups gnomAD compares: African/African-American, 1%; 11 homozygotes.

Submissions (5):

CeGaT Center for Human Genetics Tuebingen
Classification: Likely benign. Last evaluated: 2026-05-01. Review status: criteria provided, single submitter. Criteria: CeGaT Center For Human Genetics Tuebingen Variant Classification Criteria Version 2. Collection method: clinical testing. Allele origin: germline. Affected: yes. Observed: 1 variant allele.
Comment: PLXNA1: BP4, BP7, BS1

Labcorp Genetics (formerly Invitae), Labcorp
Classification: Benign. Last evaluated: 2025-12-23. Review status: criteria provided, single submitter. Criteria: Invitae Variant Classification Sherloc (09022015). Collection method: clinical testing. Allele origin: germline.

Blueprint Genetics
Classification: Likely benign. Last evaluated: 2024-11-25. Review status: criteria provided, single submitter. Criteria: ACMG Guidelines, 2015. Collection method: clinical testing. Allele origin: germline.

Breakthrough Genomics
Classification: Benign. Review status: criteria provided, single submitter. Criteria: ACMG Guidelines, 2015. Collection method: not provided. Allele origin: germline. Inheritance: Autosomal recessive inheritance. Affected: yes.

PreventionGenetics, part of Exact Sciences
Classification: Benign for PLXNA1-related condition. Last evaluated: 2021-05-26. Review status: no assertion criteria provided. Collection method: clinical testing. Allele origin: germline. Not counted in ClinVar's aggregate classification.
Comment: This variant is classified as benign based on ACMG/AMP sequence variant interpretation guidelines (Richards et al. 2015 PMID: 25741868, with internal and published modifications).

NM_032242.4(PLXNA1):c.1989C>T (p.Val663=)

Gene: PLXNA1 (plexin A1; plus strand). Cytogenetic location: 3q21.3.
Variant type: single nucleotide variant.
Coding change: c.1989C>T on transcript NM_032242.4 (MANE Select); coding-DNA position 1989, C replaced by T.
Protein change: p.Val663=; no amino-acid change (valine 663 retained).
Molecular consequence: synonymous variant.
Genome position (GRCh38, 1-based): chr3:127,006,170, C>T. VCF-style: chr3-127006170-C-T. GRCh37 (hg19) VCF-style: chr3-126725013-C-T.
Other names: c.1989C>T (NM_032242.3).
Identifiers: ClinVar variation 1562961 (VCV001562961.14), dbSNP rs61744428, ClinGen allele CA2593448.